The following is an entry in ClinVar:

ClinVar aggregate classification (germline): Uncertain significance. Review status: criteria provided, multiple submitters, no conflicts (2 of 4 stars). 3 submissions from 3 submitters: Uncertain significance (3). Last evaluated 2025-08-22.

Conditions:
Cardiovascular phenotype. Identifiers: MedGen CN230736.
Long QT syndrome (LQTS). Identifiers: MedGen C0023976, MeSH D008133, MONDO:0002442. Disease mechanism: loss of function. Inheritance: Various modes of inheritance.
Familial hyperaldosteronism type III. Also called: FH III; Familial hyperaldosteronism type 3. Identifiers: Orphanet 251274, MedGen C3838758, MONDO:0013359, OMIM 613677.
Long QT syndrome 13 (LQT13). Identifiers: Orphanet 101016, Orphanet 768, MedGen C3150733, MONDO:0013279, OMIM 613485.

Allele frequency attached by ClinVar (database versions not stated): ExAC 0.00001; gnomAD 0.00003; gnomAD exomes 0.00003; TOPMed 0.00004.
gnomAD v4.1: 43 of 1,614,098 alleles (0.0027%); highest among the groups gnomAD compares: African/African-American, 0.0067%; no homozygotes.

Submissions (3):

Labcorp Genetics (formerly Invitae), Labcorp
Classification: Uncertain significance for Long QT syndrome. Last evaluated: 2025-08-22. Review status: criteria provided, single submitter. Criteria: Invitae Variant Classification Sherloc (09022015). Collection method: clinical testing. Allele origin: germline.
Comment: This sequence change replaces arginine, which is basic and polar, with glutamine, which is neutral and polar, at codon 332 of the KCNJ5 protein (p.Arg332Gln). This variant is present in population databases (rs768566424, gnomAD 0.008%). This variant has not been reported in the literature in individuals affected with KCNJ5-related conditions. ClinVar contains an entry for this variant (Variation ID: 1768728). Invitae Evidence Modeling of protein sequence and biophysical properties (such as structural, functional, and spatial information, amino acid conservation, physicochemical variation, residue mobility, and thermodynamic stability) indicates that this missense variant is not expected to disrupt KCNJ5 protein function with a negative predictive value of 80%. In summary, the available evidence is currently insufficient to determine the role of this variant in disease. Therefore, it has been classified as a Variant of Uncertain Significance.

Ambry Genetics
Classification: Uncertain significance for Cardiovascular phenotype. Last evaluated: 2025-02-12. Review status: criteria provided, single submitter. Criteria: Ambry Variant Classification Scheme 2023. Collection method: clinical testing. Allele origin: germline.
Comment: The p.R332Q variant (also known as c.995G>A), located in coding exon 2 of the KCNJ5 gene, results from a G to A substitution at nucleotide position 995. The arginine at codon 332 is replaced by glutamine, an amino acid with highly similar properties. This amino acid position is highly conserved in available vertebrate species. In addition, this alteration is predicted to be deleterious by in silico analysis. Based on data from gnomAD, the frequency for this variant is above the maximum credible frequency for a hyperaldosteronism-causing variant in this gene based on internally established thresholds (Karczewski et al. Nature. 2020 May;581(7809):434-443; Whiffin et al. Genet Med. 2017 10;19:1151-1158). Based on the available evidence, the clinical significance of this variant remains unclear for long QT syndrome; however, it is unlikely to be causative of hyperaldosteronism.

Fulgent Genetics
Classification: Uncertain significance for Long QT syndrome 13; Familial hyperaldosteronism type III. Last evaluated: 2024-06-19. Review status: criteria provided, single submitter. Criteria: ACMG Guidelines, 2015. Collection method: clinical testing. Allele origin: germline.

NM_000890.5(KCNJ5):c.995G>A (p.Arg332Gln)

Gene: KCNJ5 (potassium inwardly rectifying channel subfamily J member 5; plus strand). Cytogenetic location: 11q24.3.
Variant type: single nucleotide variant.
Coding change: c.995G>A on transcript NM_000890.5 (MANE Select); coding-DNA position 995, G replaced by A.
Protein change: p.Arg332Gln; replaces arginine 332 with glutamine.
Molecular consequence: missense variant.
Genome position (GRCh38, 1-based): chr11:128,916,466, G>A. VCF-style: chr11-128916466-G-A. GRCh37 (hg19) VCF-style: chr11-128786361-G-A.
Other names: c.995G>A, p.Arg332Gln (NM_001354169.2); short protein forms R332Q.
Identifiers: ClinVar variation 1768728 (VCV001768728.5), dbSNP rs768566424, ClinGen allele CA6357985.
Genomic context (GRCh38, chr11:128,916,466, plus strand): 5'-CAGGCATGACCTGCCAAGCCCGGAGCTCCTACATGGATACAGAGGTGCTCTGGGGCCACC[G>A]ATTCACACCAGTCCTCACCTTGGAAAAGGGCTTCTATGAGGTGGACTACAACACCTTCCA-3'
Protein context (NP_000881.3, residues 322-342): YMDTEVLWGH[Arg332Gln]FTPVLTLEKG